The following is an entry in ClinVar:

ClinVar aggregate classification (germline): Uncertain significance (1 of 4 stars; one submission).

Submission:

Labcorp Genetics (formerly Invitae), Labcorp
Classification: Uncertain significance. Last evaluated: 2025-09-16. Review status: criteria provided, single submitter. Criteria: Invitae Variant Classification Sherloc (09022015). Collection method: clinical testing. Allele origin: germline.
Comment: This sequence change replaces glutamine, which is neutral and polar, with arginine, which is basic and polar, at codon 979 of the NEXMIF protein (p.Gln979Arg). This variant is not present in population databases (gnomAD no frequency). This variant has not been reported in the literature in individuals affected with NEXMIF-related conditions. An algorithm developed to predict the effect of missense changes on protein structure and function (PolyPhen-2) suggests that this variant is likely to be disruptive. In summary, the available evidence is currently insufficient to determine the role of this variant in disease. Therefore, it has been classified as a Variant of Uncertain Significance.

NM_001008537.3(NEXMIF):c.2936A>G (p.Gln979Arg)

Gene: NEXMIF (neurite extension and migration factor; minus strand). Cytogenetic location: Xq13.3.
Variant type: single nucleotide variant.
Coding change: c.2936A>G on transcript NM_001008537.3 (MANE Select); coding-DNA position 2936, A replaced by G.
Protein change: p.Gln979Arg; replaces glutamine 979 with arginine.
Molecular consequence: missense variant.
Genome position (GRCh38, 1-based): chrX:74,741,621, T>C on the plus strand (A>G on the coding strand, the complement: NEXMIF is on the minus strand). VCF-style: chrX-74741621-T-C. GRCh37 (hg19) VCF-style: chrX-73961456-T-C.
Other names: short protein forms Q979R.
Identifiers: ClinVar variation 4727234 (VCV004727234.1).
Genomic context (GRCh38, chrX:74,741,621, plus strand): 5'-AGTGGGGCCATTGAATCAAAGCTAAAGAGCCGACCATCATCCATATTGACTGGCCCCTGC[T>C]GGAAAGGAAAGCAGATCTCTCCATTATTAAAGTGACATAATTGGTAAGAGTCATCAGATG-3'
Protein context (NP_001008537.1, residues 969-989): FNNGEICFPF[Gln979Arg]QGPVNMDDGR